The following is an entry in ClinVar:

ClinVar aggregate classification (germline): Uncertain significance (1 of 4 stars; one submission).

Conditions:
PLXNA1-related disorder. Also called: PLXNA1-related condition.

Submission:

PreventionGenetics, part of Exact Sciences
Classification: Uncertain significance for PLXNA1-related condition. Last evaluated: 2026-06-03. Review status: criteria provided, single submitter. Criteria: ACMG Guidelines, 2015. Collection method: clinical testing. Allele origin: germline.
Comment: The PLXNA1 c.1250delG variant is predicted to result in a frameshift and premature protein termination (p.Gly417Alafs*18). To our knowledge, this variant has not been reported in the literature or in a large population database (gnomAD), indicating this variant is rare. This variant is in the second exon, upstream of other early termination changes reported in affected individuals in the literature. Although we suspect that this variant may be pathogenic, at this time, the clinical significance of this variant is uncertain due to the absence of conclusive functional and genetic evidence.

NM_032242.4(PLXNA1):c.1250del (p.Gly417fs)

Gene: PLXNA1 (plexin A1; plus strand). Cytogenetic location: 3q21.3.
Variant type: Deletion.
Coding change: c.1250del on transcript NM_032242.4 (MANE Select); coding-DNA position 1250, one base deleted (G; older notation c.1250delG).
Protein change: p.Gly417fs; shifts the reading frame from glycine 417.
Molecular consequence: frameshift variant.
Genome position (GRCh38, 1-based): chr3:126,991,439, G deleted; the last of 6 consecutive G bases (chr3:126,991,434-126,991,439); deleting any one gives the same sequence. VCF-style (leftmost placement, unchanged base first): chr3-126991433-TG-T. GRCh37 (hg19) VCF-style: chr3-126710276-TG-T.
Other names: short protein forms G417fs.
Identifiers: ClinVar variation 4993848 (VCV004993848.1).